The following is an entry in ClinVar:

NM_003072.5(SMARCA4):c.4139G>A (p.Ser1380Asn)

Gene: SMARCA4 (SWI/SNF related BAF chromatin remodeling complex subunit ATPase 4; plus strand). Cytogenetic location: 19p13.2.
Variant type: single nucleotide variant.
Coding change: c.4139G>A on transcript NM_003072.5 (MANE Select); coding-DNA position 4139, G replaced by A.
Protein change: p.Ser1380Asn; replaces serine 1380 with asparagine.
Molecular consequence: missense variant. On other transcripts: non-coding transcript variant (1).
Genome position (GRCh38, 1-based): chr19:11,035,101, G>A. VCF-style: chr19-11035101-G-A. GRCh37 (hg19) VCF-style: chr19-11145777-G-A.
Other names: c.4139G>A, p.Ser1380Asn (NM_001128844.3, NM_001128849.3, NM_001387283.1); c.4040G>A, p.Ser1347Asn (NM_001128845.2, NM_001128846.2, NM_001128847.4 and 2 more transcripts); short protein forms S1380N, S1347N.
Identifiers: ClinVar variation 484976 (VCV000484976.8), dbSNP rs1555785521, ClinGen allele CA404068539.

ClinVar aggregate classification (germline): Uncertain significance. Review status: criteria provided, multiple submitters, no conflicts (2 of 4 stars). 2 submissions from 2 submitters: Uncertain significance (2). Last evaluated 2025-03-27.

Conditions:
Hereditary cancer-predisposing syndrome. Also called: Neoplastic Syndromes, Hereditary; Tumor predisposition; Hereditary Cancer Syndrome; Hereditary neoplastic syndrome. Identifiers: Orphanet 140162, MedGen C0027672, MeSH D009386, MONDO:0015356.
Rhabdoid tumor predisposition syndrome 2 (RTPS2). Identifiers: Orphanet 231108, Orphanet 69077, MedGen C2750074, MONDO:0013224, OMIM 613325.

Submissions (2):

Ambry Genetics
Classification: Uncertain significance for Hereditary cancer-predisposing syndrome. Last evaluated: 2025-03-27. Review status: criteria provided, single submitter. Criteria: Ambry Variant Classification Scheme 2023. Collection method: clinical testing. Allele origin: germline.
Comment: The p.S1380N variant (also known as c.4139G>A), located in coding exon 28 of the SMARCA4 gene, results from a G to A substitution at nucleotide position 4139. The serine at codon 1380 is replaced by asparagine, an amino acid with highly similar properties. This amino acid position is highly conserved in available vertebrate species. In addition, the in silico prediction for this alteration is inconclusive. Since supporting evidence is limited at this time, the clinical significance of this alteration remains unclear.

Labcorp Genetics (formerly Invitae), Labcorp
Classification: Uncertain significance for Rhabdoid tumor predisposition syndrome 2. Last evaluated: 2024-06-19. Review status: criteria provided, single submitter. Criteria: Invitae Variant Classification Sherloc (09022015). Collection method: clinical testing. Allele origin: germline.
Comment: This sequence change replaces serine, which is neutral and polar, with asparagine, which is neutral and polar, at codon 1380 of the SMARCA4 protein (p.Ser1380Asn). This variant is not present in population databases (gnomAD no frequency). This variant has not been reported in the literature in individuals affected with SMARCA4-related conditions. ClinVar contains an entry for this variant (Variation ID: 484976). Advanced modeling of protein sequence and biophysical properties (such as structural, functional, and spatial information, amino acid conservation, physicochemical variation, residue mobility, and thermodynamic stability) performed at Invitae indicates that this missense variant is expected to disrupt SMARCA4 protein function with a positive predictive value of 95%. In summary, the available evidence is currently insufficient to determine the role of this variant in disease. Therefore, it has been classified as a Variant of Uncertain Significance.